The following is an entry in ClinVar:

ClinVar aggregate classification (germline): Likely benign (1 of 4 stars; one submission).

Allele frequency attached by ClinVar (database versions not stated): 1000 Genomes Project 0.01418; 1000 Genomes Project 30x 0.01468; TOPMed 0.03117; gnomAD 0.03187 and 0.03223.
gnomAD v4.1: 4,844 of 152,212 alleles (3.2%); highest among the groups gnomAD compares: Middle Eastern, 8.2%; 124 homozygotes.

Submission:

GeneDx
Classification: Likely benign. Last evaluated: 2018-06-14. Review status: criteria provided, single submitter. Criteria: GeneDx Variant Classification (06012015). Collection method: clinical testing. Allele origin: germline. Affected: yes.
Comment: This variant is considered likely benign or benign based on one or more of the following criteria: it is a conservative change, it occurs at a poorly conserved position in the protein, it is predicted to be benign by multiple in silico algorithms, and/or has population frequency not consistent with disease.

NM_020774.4(MIB1):c.1962+221C>T

Gene: MIB1 (MIB E3 ubiquitin protein ligase 1; plus strand). Cytogenetic location: 18q11.2.
Variant type: single nucleotide variant.
Coding change: c.1962+221C>T on transcript NM_020774.4 (MANE Select); 221 bases into the intron after coding-DNA position 1962, C replaced by T.
Molecular consequence: intron variant.
Genome position (GRCh38, 1-based): chr18:21,838,718, C>T. VCF-style: chr18-21838718-C-T. GRCh37 (hg19) VCF-style: chr18-19418679-C-T.
Identifiers: ClinVar variation 678608 (VCV000678608.1), dbSNP rs45623738, ClinGen allele CA296930851.